The following is an entry in ClinVar:

ClinVar aggregate classification (germline): Uncertain significance (1 of 4 stars; one submission).

Conditions:
Hereditary hemochromatosis (HFE). Identifiers: MedGen C0392514, MONDO:0006507. Disease mechanism: loss of function.

Submission:

Labcorp Genetics (formerly Invitae), Labcorp
Classification: Uncertain significance for Hereditary hemochromatosis. Last evaluated: 2024-07-10. Review status: criteria provided, single submitter. Criteria: Invitae Variant Classification Sherloc (09022015). Collection method: clinical testing. Allele origin: germline.
Comment: This sequence change replaces glycine, which is neutral and non-polar, with valine, which is neutral and non-polar, at codon 63 of the TFR2 protein (p.Gly63Val). This variant is present in population databases (no rsID available, gnomAD 0.0004%). This variant has not been reported in the literature in individuals affected with TFR2-related conditions. An algorithm developed to predict the effect of missense changes on protein structure and function (PolyPhen-2) suggests that this variant is likely to be disruptive. In summary, the available evidence is currently insufficient to determine the role of this variant in disease. Therefore, it has been classified as a Variant of Uncertain Significance.

NM_003227.4(TFR2):c.188_189delinsTT (p.Gly63Val)

Gene: TFR2 (transferrin receptor 2; minus strand). Cytogenetic location: 7q22.1.
Variant type: Indel.
Coding change: c.188_189delinsTT on transcript NM_003227.4 (MANE Select); coding-DNA positions 188 to 189, GC replaced by TT.
Protein change: p.Gly63Val; replaces glycine 63 with valine.
Molecular consequence: missense variant.
Genome position (GRCh38, 1-based): chr7:100,641,073-100,641,074, GC replaced by AA on the plus strand (GC replaced by TT on the coding strand, the reverse complement: TFR2 is on the minus strand). VCF-style: chr7-100641073-GC-AA. GRCh37 (hg19) VCF-style: chr7-100238696-GC-AA.
Other names: short protein forms G63V.
Identifiers: ClinVar variation 3730029 (VCV003730029.2).